The following is an entry in ClinVar:

NM_024408.4(NOTCH2):c.3893-6T>G

Gene: NOTCH2 (notch receptor 2; minus strand). Cytogenetic location: 1p12.
Variant type: single nucleotide variant.
Coding change: c.3893-6T>G on transcript NM_024408.4 (MANE Select); 6 bases into the intron before coding-DNA position 3893, T replaced by G.
Molecular consequence: intron variant.
Genome position (GRCh38, 1-based): chr1:119,926,617, A>C on the plus strand (T>G on the coding strand, the complement: NOTCH2 is on the minus strand). VCF-style: chr1-119926617-A-C. GRCh37 (hg19) VCF-style: chr1-120469240-A-C.
Identifiers: ClinVar variation 4808016 (VCV004808016.1).
Genomic context (GRCh38, chr1:119,926,617, plus strand): 5'-CCATTCAGGCAGGGCATCTGGGGACACACATCGACGAAGGTTTCACAGTGCCGGCCTCAG[A>C]AAATAAAAAATAAAAAAGGTTTTAAAAGGCAGAAGTAGTCACTGCAAGTTACTCAACAAA-3'

ClinVar aggregate classification (germline): Uncertain significance (1 of 4 stars; one submission).

Conditions:
Hajdu-Cheney syndrome (HJCYS). Also called: ACROOSTEOLYSIS WITH OSTEOPOROSIS AND CHANGES IN SKULL AND MANDIBLE; SERPENTINE FIBULA-POLYCYSTIC KIDNEY SYNDROME; Acroosteolysis dominant type. Identifiers: Orphanet 955, MedGen C0917715, MONDO:0007057, OMIM 102500.

gnomAD v4.1: 4 of 1,582,422 alleles (0.00025%); highest among the groups gnomAD compares: African/African-American, 0.0054%; no homozygotes.

Submission:

Labcorp Genetics (formerly Invitae), Labcorp
Classification: Uncertain significance for Hajdu-Cheney syndrome. Last evaluated: 2025-10-19. Review status: criteria provided, single submitter. Criteria: Invitae Variant Classification Sherloc (09022015). Collection method: clinical testing. Allele origin: germline.
Comment: This sequence change falls in intron 23 of the NOTCH2 gene. It does not directly change the encoded amino acid sequence of the NOTCH2 protein. This variant is not present in population databases (gnomAD no frequency). This variant has not been reported in the literature in individuals affected with NOTCH2-related conditions. Algorithms developed to predict the effect of sequence changes on RNA splicing suggest that this variant may disrupt the consensus splice site. In summary, the available evidence is currently insufficient to determine the role of this variant in disease. Therefore, it has been classified as a Variant of Uncertain Significance.